The following is an entry in ClinVar:

ClinVar aggregate classification (germline): Uncertain significance. Review status: criteria provided, multiple submitters, no conflicts (2 of 4 stars). 10 submissions from 8 submitters: Uncertain significance (9). 1 of the submissions does not count toward it. Last evaluated 2026-05-19.

Conditions:
Hereditary macular dystrophy. Also called: Genetic macular dystrophy. Identifiers: MedGen C0339508, MONDO:0020242.
Leber congenital amaurosis (LCA). Also called: Leber's amaurosis. Identifiers: Orphanet 65, MedGen C0339527, MeSH D057130, MONDO:0018998.
CRB1-related disorder. Also called: CRB1-related condition; CRB1-related disorders.
Leber congenital amaurosis 8 (LCA8). Identifiers: Orphanet 65, MedGen C3151202, MONDO:0013453, OMIM 613835.
Pigmented paravenous retinochoroidal atrophy. Identifiers: Orphanet 251295, MedGen C1868310, MONDO:0008246, OMIM 172870.
Retinitis pigmentosa 12 (RP12). Also called: RP WITH OR WITHOUT PPRPE; RP WITH OR WITHOUT PRESERVED PARAARTERIOLE RETINAL PIGMENT EPITHELIUM; RETINITIS PIGMENTOSA WITH OR WITHOUT PARAARTERIOLAR PRESERVATION OF RETINAL PIGMENT EPITHELIUM. Identifiers: Orphanet 791, MedGen C1838647, MONDO:0010818, OMIM 600105.

Allele frequency attached by ClinVar (database versions not stated): gnomAD exomes 0.00019; 1000 Genomes Project 0.00020; ExAC 0.00020; ESP Exome Variant Server 0.00023; TOPMed 0.00023; 1000 Genomes Project 30x 0.00047.
gnomAD v4.1: 370 of 1,613,818 alleles (0.023%); highest among the groups gnomAD compares: Middle Eastern, 0.033%; no homozygotes.

Submissions (10):

PreventionGenetics, part of Exact Sciences
Classification: Uncertain significance for CRB1-related condition. Last evaluated: 2026-05-19. Review status: criteria provided, single submitter. Criteria: ACMG Guidelines, 2015. Collection method: clinical testing. Allele origin: germline.
Comment: The CRB1 c.4060G>A variant is predicted to result in the amino acid substitution p.Ala1354Thr. This variant was reported, along with a second probable causative variant in the same gene, in individuals with retinal disease (den Hollander et al. 2001. PubMed ID: 11389483; Porto et al. 2017. PubMed ID: 29186038). This variant was also described, along with a known pathogenic variant and another uncertain variant in CRB1, in an individual with retinal disease (supplementary data, Talib et al. 2017. PubMed ID: 28341475). Lastly, this variant was detected in a large cohort of individuals with retinal disease; however, there was no second variant in CRB1 and the patient had rare variants in other retinal disease genes (supplementary data, Mihalich et al. 2024. PubMed ID: 38927702). This variant is reported in 0.034% of alleles in individuals of European (Non-Finnish) descent in gnomAD. At this time, the clinical significance of this variant is uncertain due to the absence of conclusive functional and genetic evidence.

CeGaT Center for Human Genetics Tuebingen
Classification: Uncertain significance. Last evaluated: 2025-04-01. Review status: criteria provided, single submitter. Criteria: CeGaT Center For Human Genetics Tuebingen Variant Classification Criteria Version 2. Collection method: clinical testing. Allele origin: germline. Affected: yes. Observed: 2 variant alleles.

Blueprint Genetics
Classification: Uncertain significance. Last evaluated: 2024-03-09. Review status: criteria provided, single submitter. Criteria: ACMG Guidelines, 2015. Collection method: clinical testing. Allele origin: germline.

Genome-Nilou Lab
Classification: Uncertain significance for Leber congenital amaurosis 8. Last evaluated: 2023-04-11. Review status: criteria provided, single submitter. Criteria: ACMG Guidelines, 2015. Collection method: clinical testing. Allele origin: germline. Affected: no.

Genome-Nilou Lab
Classification: Uncertain significance for Pigmented paravenous retinochoroidal atrophy. Last evaluated: 2023-04-11. Review status: criteria provided, single submitter. Criteria: ACMG Guidelines, 2015. Collection method: clinical testing. Allele origin: germline. Affected: no.

Genome-Nilou Lab
Classification: Uncertain significance for Retinitis pigmentosa 12. Last evaluated: 2023-04-11. Review status: criteria provided, single submitter. Criteria: ACMG Guidelines, 2015. Collection method: clinical testing. Allele origin: germline. Affected: no.

Labcorp Genetics (formerly Invitae), Labcorp
Classification: Uncertain significance for Leber congenital amaurosis 8; Retinitis pigmentosa 12. Last evaluated: 2022-10-13. Review status: criteria provided, single submitter. Criteria: Invitae Variant Classification Sherloc (09022015). Collection method: clinical testing. Allele origin: germline.
Comment: This sequence change replaces alanine, which is neutral and non-polar, with threonine, which is neutral and polar, at codon 1354 of the CRB1 protein (p.Ala1354Thr). This variant is present in population databases (rs200469148, gnomAD 0.03%). This missense change has been observed in individual(s) with CRB1-related conditions (PMID: 11389483). ClinVar contains an entry for this variant (Variation ID: 971732). Advanced modeling of protein sequence and biophysical properties (such as structural, functional, and spatial information, amino acid conservation, physicochemical variation, residue mobility, and thermodynamic stability) has been performed at Invitae for this missense variant, however the output from this modeling did not meet the statistical confidence thresholds required to predict the impact of this variant on CRB1 protein function. In summary, the available evidence is currently insufficient to determine the role of this variant in disease. Therefore, it has been classified as a Variant of Uncertain Significance.

Department of Pathology and Laboratory Medicine, Sinai Health System
Classification: Uncertain significance for hereditary macular dystrophy. Last evaluated: 2022-03-21. Review status: criteria provided, single submitter. Criteria: ACMG Guidelines, 2015. Collection method: research. Allele origin: germline.

Institute of Human Genetics, University of Leipzig Medical Center
Classification: Uncertain significance for Leber congenital amaurosis 8. Last evaluated: 2019-01-01. Review status: criteria provided, single submitter. Criteria: ACMG Guidelines, 2015. Collection method: clinical testing. Allele origin: unknown. Affected: yes.

Natera, Inc.
Classification: Uncertain significance for Leber congenital amaurosis. Last evaluated: 2020-01-15. Review status: no assertion criteria provided. Collection method: clinical testing. Allele origin: germline. Not counted in ClinVar's aggregate classification.

Literature cited by the submitters: PubMed 11389483 (cited by Labcorp Genetics (formerly Invitae), Labcorp).

NM_201253.3(CRB1):c.4060G>A (p.Ala1354Thr)

Gene: CRB1 (crumbs cell polarity complex component 1; plus strand). Cytogenetic location: 1q31.3.
Variant type: single nucleotide variant.
Coding change: c.4060G>A on transcript NM_201253.3 (MANE Select); coding-DNA position 4060, G replaced by A.
Protein change: p.Ala1354Thr; replaces alanine 1354 with threonine.
Molecular consequence: missense variant. On other transcripts: non-coding transcript variant (2).
Genome position (GRCh38, 1-based): chr1:197,477,718, G>A. VCF-style: chr1-197477718-G-A. GRCh37 (hg19) VCF-style: chr1-197446848-G-A.
Other names: c.3724G>A, p.Ala1242Thr (NM_001193640.2); c.3988G>A, p.Ala1330Thr (NM_001257965.2); c.2452G>A, p.Ala818Thr (NM_001257966.2); short protein forms A1330T, A1354T, A1242T, A818T.
Identifiers: ClinVar variation 971732 (VCV000971732.46), dbSNP rs200469148, ClinGen allele CA1312548.